The following is an entry in ClinVar:

ClinVar aggregate classification (germline): Likely pathogenic (1 of 4 stars; one submission).

Submission:

Labcorp Genetics (formerly Invitae), Labcorp
Classification: Likely pathogenic. Last evaluated: 2023-10-16. Review status: criteria provided, single submitter. Criteria: Invitae Variant Classification Sherloc (09022015). Collection method: clinical testing. Allele origin: unknown.
Comment: This variant results in the deletion of part of exon 23 (c.2031_2038+2359del) of the TBCD gene. It is expected to disrupt RNA splicing. Variants that disrupt the donor or acceptor splice site typically lead to a loss of protein function (PMID: 16199547), and loss-of-function variants in TBCD are known to be pathogenic (PMID: 27666370, 27666374). This variant has not been reported in the literature in individuals affected with TBCD-related conditions. In summary, the currently available evidence indicates that the variant is pathogenic, but additional data are needed to prove that conclusively. Therefore, this variant has been classified as Likely Pathogenic.

Literature cited by the submitters: PubMed 16199547; PubMed 27666370; PubMed 27666374.

NC_000017.10:g.(?_80869658)_(80872024_?)del

Gene: TBCD (tubulin folding cofactor D). Cytogenetic location: 17q25.3.
Variant type: Deletion.
Identifiers: ClinVar variation 3243175 (VCV003243175.1).